The following is an entry in ClinVar:

NM_133433.4(NIPBL):c.6438C>T (p.Thr2146=)

Gene: NIPBL (NIPBL cohesin loading factor; plus strand). Cytogenetic location: 5p13.2.
Variant type: single nucleotide variant.
Coding change: c.6438C>T on transcript NM_133433.4 (MANE Select); coding-DNA position 6438, C replaced by T.
Protein change: p.Thr2146=; no amino-acid change (threonine 2146 retained).
Molecular consequence: synonymous variant.
Genome position (GRCh38, 1-based): chr5:37,045,537, C>T. VCF-style: chr5-37045537-C-T. GRCh37 (hg19) VCF-style: chr5-37045639-C-T.
Other names: c.6438C>T, p.Thr2146= (NM_015384.5).
Identifiers: ClinVar variation 383082 (VCV000383082.32), dbSNP rs376448686, ClinGen allele CA3237000.

ClinVar aggregate classification (germline): Benign/Likely benign. Review status: criteria provided, multiple submitters, no conflicts (2 of 4 stars). 4 submissions from 4 submitters: Benign (1); Likely benign (3). Last evaluated 2025-01-16.

Conditions:
Cornelia de Lange syndrome 1 (CDLS1). Also called: NIPBL-Related Cornelia de Lange Syndrome; TYPUS DEGENERATIVUS AMSTELODAMENSIS; Brachmann de Lange syndrome. Identifiers: Orphanet 199, MedGen C4551851, MONDO:0007387, OMIM 122470.

Allele frequency attached by ClinVar (database versions not stated): gnomAD 0.00006 and 0.00007; ESP Exome Variant Server 0.00008; ExAC 0.00010; gnomAD exomes 0.00010; TOPMed 0.00011.
gnomAD v4.1: 96 of 1,613,960 alleles (0.0059%); highest among the groups gnomAD compares: East Asian, 0.18%; no homozygotes.

Submissions (4):

Labcorp Genetics (formerly Invitae), Labcorp
Classification: Benign for Cornelia de Lange syndrome 1. Last evaluated: 2025-01-16. Review status: criteria provided, single submitter. Criteria: Invitae Variant Classification Sherloc (09022015). Collection method: clinical testing. Allele origin: germline.

CeGaT Center for Human Genetics Tuebingen
Classification: Likely benign. Last evaluated: 2024-12-01. Review status: criteria provided, single submitter. Criteria: CeGaT Center For Human Genetics Tuebingen Variant Classification Criteria Version 2. Collection method: clinical testing. Allele origin: germline. Affected: yes. Observed: 2 variant alleles.
Comment: NIPBL: BP4, BP7

Illumina Laboratory Services, Illumina
Classification: Likely benign for Cornelia de Lange syndrome 1. Last evaluated: 2018-01-12. Review status: criteria provided, single submitter. Criteria: ICSL Variant Classification Criteria 13 December 2019. Collection method: clinical testing. Allele origin: germline.
Comment: This variant was observed in the ICSL laboratory as part of a predisposition screen in an ostensibly healthy population. It had not been previously curated by ICSL or reported in the Human Gene Mutation Database (HGMD: prior to June 1st, 2018), and was therefore a candidate for classification through an automated scoring system. Utilizing variant allele frequency, disease prevalence and penetrance estimates, and inheritance mode, an automated score was calculated to assess if this variant is too frequent to cause the disease. Based on the score and internal cut-off values, a variant classified as likely benign is not then subjected to further curation. The score for this variant resulted in a classification of likely benign for this disease.

GeneDx
Classification: Likely benign. Last evaluated: 2016-01-27. Review status: criteria provided, single submitter. Criteria: GeneDx Variant Classification (06012015). Collection method: clinical testing. Allele origin: germline. Affected: yes.
Comment: This variant is considered likely benign or benign based on one or more of the following criteria: it is a conservative change, it occurs at a poorly conserved position in the protein, it is predicted to be benign by multiple in silico algorithms, and/or has population frequency not consistent with disease.